The following is an entry in ClinVar:

NM_173354.5(SIK1):c.156+5G>T

Gene: SIK1 (salt inducible kinase 1; minus strand). Cytogenetic location: 21q22.3.
Variant type: single nucleotide variant.
Coding change: c.156+5G>T on transcript NM_173354.5 (MANE Select); 5 bases into the intron after coding-DNA position 156, G replaced by T.
Molecular consequence: intron variant.
Genome position (GRCh38, 1-based): chr21:43,426,018, C>A on the plus strand (G>T on the coding strand, the complement: SIK1 is on the minus strand). VCF-style: chr21-43426018-C-A. GRCh37 (hg19) VCF-style: chr21-44845898-C-A.
Identifiers: ClinVar variation 1917633 (VCV001917633.5), dbSNP rs746746701, ClinGen allele CA321330019.

ClinVar aggregate classification (germline): Uncertain significance (1 of 4 stars; one submission).

Conditions:
Developmental and epileptic encephalopathy, 30 (DEE30). Also called: Epileptic encephalopathy, early infantile, 30. Identifiers: MedGen C4225360, MONDO:0014595, OMIM 616341.

Allele frequency attached by ClinVar (database versions not stated): ExAC 0.00002.

Submission:

Labcorp Genetics (formerly Invitae), Labcorp
Classification: Uncertain significance for Developmental and epileptic encephalopathy, 30. Last evaluated: 2022-08-19. Review status: criteria provided, single submitter. Criteria: Invitae Variant Classification Sherloc (09022015). Collection method: clinical testing. Allele origin: germline.
Comment: This sequence change falls in intron 2 of the SIK1 gene. It does not directly change the encoded amino acid sequence of the SIK1 protein. It affects a nucleotide within the consensus splice site. The frequency data for this variant in the population databases is considered unreliable, as metrics indicate poor data quality at this position in the gnomAD database. This variant has not been reported in the literature in individuals affected with SIK1-related conditions. Variants that disrupt the consensus splice site are a relatively common cause of aberrant splicing (PMID: 17576681, 9536098). Algorithms developed to predict the effect of sequence changes on RNA splicing suggest that this variant may create or strengthen a splice site. In summary, the available evidence is currently insufficient to determine the role of this variant in disease. Therefore, it has been classified as a Variant of Uncertain Significance.

Literature cited by the submitters: PubMed 17576681; PubMed 9536098.